The following is an entry in ClinVar:

ClinVar aggregate classification (germline): Likely benign. Review status: criteria provided, multiple submitters, no conflicts (2 of 4 stars). 6 submissions from 6 submitters: Likely benign (6). Last evaluated 2025-10-03.

Conditions:
Inborn genetic diseases. Identifiers: MedGen C0950123, MeSH D030342.
MACF1-related disorder. Also called: MACF1-related condition.
Lissencephaly 9 with complex brainstem malformation. Identifiers: Orphanet 572013, MedGen C5193029, MONDO:0032677, OMIM 618325.

Allele frequency attached by ClinVar (database versions not stated): gnomAD 0.00035; ExAC 0.00046; TOPMed 0.00047; gnomAD exomes 0.00048; ESP Exome Variant Server 0.00085.
gnomAD v4.1: 742 of 1,614,066 alleles (0.046%); highest among the groups gnomAD compares: Middle Eastern, 0.083%; 1 homozygote.

Submissions (6):

Labcorp Genetics (formerly Invitae), Labcorp
Classification: Likely benign. Last evaluated: 2025-10-03. Review status: criteria provided, single submitter. Criteria: Invitae Variant Classification Sherloc (09022015). Collection method: clinical testing. Allele origin: germline.

CeGaT Center for Human Genetics Tuebingen
Classification: Likely benign. Last evaluated: 2025-06-01. Review status: criteria provided, single submitter. Criteria: CeGaT Center For Human Genetics Tuebingen Variant Classification Criteria Version 2. Collection method: clinical testing. Allele origin: germline. Affected: yes. Observed: 1 variant allele.
Comment: MACF1: BS1

PreventionGenetics, part of Exact Sciences
Classification: Likely benign for MACF1-related condition. Last evaluated: 2025-05-22. Review status: criteria provided, single submitter. Criteria: ACMG Guidelines, 2015. Collection method: clinical testing. Allele origin: germline.
Comment: This variant is classified as likely benign based on ACMG/AMP sequence variant interpretation guidelines (Richards et al. 2015 PMID: 25741868, with internal and published modifications).

Blueprint Genetics
Classification: Likely benign. Last evaluated: 2024-11-19. Review status: criteria provided, single submitter. Criteria: ACMG Guidelines, 2015. Collection method: clinical testing. Allele origin: germline.

Genome-Nilou Lab
Classification: Likely benign for Lissencephaly 9 with complex brainstem malformation. Last evaluated: 2023-04-11. Review status: criteria provided, single submitter. Criteria: ACMG Guidelines, 2015. Collection method: clinical testing. Allele origin: germline. Affected: no.

Ambry Genetics
Classification: Likely benign for Inborn genetic diseases. Last evaluated: 2021-07-20. Review status: criteria provided, single submitter. Criteria: Ambry Variant Classification Scheme 2023. Collection method: clinical testing. Allele origin: germline.

NM_001394062.1(MACF1):c.16925G>A (p.Gly5642Asp)

Gene: MACF1 (microtubule actin crosslinking factor 1; plus strand). Cytogenetic location: 1p34.3.
Variant type: single nucleotide variant.
Coding change: c.16925G>A on transcript NM_001394062.1 (MANE Select); coding-DNA position 16925, G replaced by A.
Protein change: p.Gly5642Asp; replaces glycine 5642 with aspartic acid.
Molecular consequence: missense variant.
Genome position (GRCh38, 1-based): chr1:39,429,863, G>A. VCF-style: chr1-39429863-G-A. GRCh37 (hg19) VCF-style: chr1-39895535-G-A.
Other names: c.10739G>A (NM_012090.4); c.4994G>A, p.Gly1665Asp (NM_001397473.1); c.10739G>A, p.Gly3580Asp (NM_012090.5); short protein forms G3580D, G1665D, G5642D.
Identifiers: ClinVar variation 2201235 (VCV002201235.16), dbSNP rs148290248, ClinGen allele CA783478.
Genomic context (GRCh38, chr1:39,429,863, plus strand): 5'-GTAATTGTGTGCTATCTTCCATAGGTGAGGAGGTGTTACTTATCCAGGAAAAACTAGATG[G>A]TATAAAGACTCGTTACGCAGACATCACAGTTACTAGCTCCAAGGCCCTCAGAACTTTAGA-3'
Protein context (NP_001380991.1, residues 5632-5652): EVLLIQEKLD[Gly5642Asp]IKTRYADITV